The following is an entry in ClinVar:

NM_000169.3(GLA):c.166T>G (p.Cys56Gly)

Genes: GLA (galactosidase alpha; minus strand), RPL36A-HNRNPH2 (RPL36A-HNRNPH2 readthrough; plus strand). Cytogenetic location: Xq22.1.
Variant type: single nucleotide variant.
Coding change: c.166T>G on transcript NM_000169.3 (MANE Select); coding-DNA position 166, T replaced by G.
Protein change: p.Cys56Gly; replaces cysteine 56 with glycine.
Molecular consequence: missense variant. On other transcripts: non-coding transcript variant (3), intron variant (2).
Genome position (GRCh38, 1-based): chrX:101,407,738, A>C on the plus strand (T>G on the coding strand, the complement: GLA is on the minus strand). VCF-style: chrX-101407738-A-C. GRCh37 (hg19) VCF-style: chrX-100662726-A-C.
Other names: c.166T>G, p.Cys56Gly (NM_001406747.1, NM_001406748.1, NM_001406749.1); c.301-4198A>C (NM_001199973.2); c.178-4198A>C (NM_001199974.2); short protein forms C56G.
Identifiers: ClinVar variation 10725 (VCV000010725.3), dbSNP rs104894836, ClinGen allele CA021558.

ClinVar aggregate classification (germline): Pathogenic. Review status: criteria provided, single submitter (1 of 4 stars). 2 submissions from 2 submitters: Pathogenic (1). 1 of the submissions does not count toward it. Last evaluated 2026-09-08.

Conditions:
Fabry disease. Also called: Ceramide trihexosidosis; Fabry's disease; CERAMIDE TRIHEXOSIDASE DEFICIENCY; GLA DEFICIENCY; HEREDITARY DYSTOPIC LIPIDOSIS; ALPHA-GALACTOSIDASE A DEFICIENCY. Identifiers: Orphanet 324, MedGen C0002986, MONDO:0010526, OMIM 301500, HP:0001071. Disease mechanism: Fabry disease is due to inactivating mutations in the X-linked GLA gene resulting in deficiency of the enzyme Alpha Galactosidase-A., loss of function.

Submissions (2):

Genomenon, Inc
Classification: Pathogenic for Fabry disease. Last evaluated: 2026-09-08. Review status: criteria provided, single submitter. Criteria: Genomenon Sequence Variant Interpretation Standards - Updated. Collection method: curation. Allele origin: germline. Affected: yes.
Comment: GLA p.Cys56Gly (c.166T>G) is a missense variant that changes the amino acid at codon 56 from Cysteine to Glycine. This variant has been observed in at least one proband with clinical features consistent with Fabry disease (PMID:11179018). At least one functional study has demonstrated a substantial alteration in protein function relative to the wild-type (PMID:27657681). This variant is located in a mutational hotspot and/or important functional domain. It is absent or not present at a significant frequency in gnomAD. In silico models predict that this variant is possibly or probably damaging. In conclusion, we classify GLA p.Cys56Gly (c.166T>G) as a pathogenic variant.

OMIM
Classification: Pathogenic for FABRY DISEASE. Last evaluated: 1993-12-01. Review status: no assertion criteria provided. Collection method: literature only. Allele origin: germline. Not counted in ClinVar's aggregate classification.

Literature cited by the submitters: PubMed 11179018 (cited by Genomenon, Inc); PubMed 27657681 (cited by Genomenon, Inc); PubMed 7504405 (cited by OMIM).